The following is an entry in ClinVar:

ClinVar aggregate classification (germline): Uncertain significance (1 of 4 stars; one submission).

Submission:

Labcorp Genetics (formerly Invitae), Labcorp
Classification: Uncertain significance. Last evaluated: 2025-04-25. Review status: criteria provided, single submitter. Criteria: Invitae Variant Classification Sherloc (09022015). Collection method: clinical testing. Allele origin: germline.
Comment: This sequence change affects codon 48 of the RPSA mRNA. It is a 'silent' change, meaning that it does not change the encoded amino acid sequence of the RPSA protein. This variant is not present in population databases (gnomAD no frequency). This variant has not been reported in the literature in individuals affected with RPSA-related conditions. Algorithms developed to predict the effect of sequence changes on RNA splicing suggest that this variant may disrupt the consensus splice site. In summary, the available evidence is currently insufficient to determine the role of this variant in disease. Therefore, it has been classified as a Variant of Uncertain Significance.

NM_002295.6(RPSA):c.144C>A (p.Ile48=)

Gene: RPSA (ribosomal protein SA; plus strand). Cytogenetic location: 3p22.1.
Variant type: single nucleotide variant.
Coding change: c.144C>A on transcript NM_002295.6 (MANE Select); coding-DNA position 144, C replaced by A.
Protein change: p.Ile48=; no amino-acid change (isoleucine 48 retained).
Molecular consequence: synonymous variant.
Genome position (GRCh38, 1-based): chr3:39,408,616, C>A. VCF-style: chr3-39408616-C-A. GRCh37 (hg19) VCF-style: chr3-39450107-C-A.
Other names: c.144C>A, p.Ile48= (NM_001304288.2).
Identifiers: ClinVar variation 4776519 (VCV004776519.1).